The following is an entry in ClinVar:

ClinVar aggregate classification (germline): Uncertain significance (1 of 4 stars; one submission).

Submission:

Labcorp Genetics (formerly Invitae), Labcorp
Classification: Uncertain significance. Last evaluated: 2024-09-14. Review status: criteria provided, single submitter. Criteria: Invitae Variant Classification Sherloc (09022015). Collection method: clinical testing. Allele origin: germline.
Comment: This sequence change replaces serine, which is neutral and polar, with arginine, which is basic and polar, at codon 2081 of the USP9X protein (p.Ser2081Arg). This variant is not present in population databases (gnomAD no frequency). This variant has not been reported in the literature in individuals affected with USP9X-related conditions. An algorithm developed to predict the effect of missense changes on protein structure and function (PolyPhen-2) suggests that this variant is likely to be disruptive. In summary, the available evidence is currently insufficient to determine the role of this variant in disease. Therefore, it has been classified as a Variant of Uncertain Significance.

NM_001039591.3(USP9X):c.6243C>G (p.Ser2081Arg)

Gene: USP9X (ubiquitin specific peptidase 9 X-linked; plus strand). Cytogenetic location: Xp11.4.
Variant type: single nucleotide variant.
Coding change: c.6243C>G on transcript NM_001039591.3 (MANE Select); coding-DNA position 6243, C replaced by G.
Protein change: p.Ser2081Arg; replaces serine 2081 with arginine.
Molecular consequence: missense variant.
Genome position (GRCh38, 1-based): chrX:41,218,405, C>G. VCF-style: chrX-41218405-C-G. GRCh37 (hg19) VCF-style: chrX-41077658-C-G.
Other names: c.6243C>G, p.Ser2081Arg (NM_001039590.3); c.6258C>G, p.Ser2086Arg (NM_001410748.1, NM_001410749.1); short protein forms S2086R, S2081R.
Identifiers: ClinVar variation 3717002 (VCV003717002.2).